The following is an entry in ClinVar:

ClinVar aggregate classification (germline): Uncertain significance (1 of 4 stars; one submission).

gnomAD v4.1: 2 of 1,614,080 alleles (0.00012%); highest among the groups gnomAD compares: East Asian, 0.0022%; no homozygotes.

Submission:

Labcorp Genetics (formerly Invitae), Labcorp
Classification: Uncertain significance. Last evaluated: 2025-08-15. Review status: criteria provided, single submitter. Criteria: Invitae Variant Classification Sherloc (09022015). Collection method: clinical testing. Allele origin: germline.
Comment: This sequence change replaces isoleucine, which is neutral and non-polar, with threonine, which is neutral and polar, at codon 117 of the CDC42 protein (p.Ile117Thr). This variant is not present in population databases (gnomAD no frequency). This variant has not been reported in the literature in individuals affected with CDC42-related conditions. An algorithm developed to predict the effect of missense changes on protein structure and function (PolyPhen-2) suggests that this variant is likely to be tolerated. In summary, the available evidence is currently insufficient to determine the role of this variant in disease. Therefore, it has been classified as a Variant of Uncertain Significance.

NM_001791.4(CDC42):c.350T>C (p.Ile117Thr)

Gene: CDC42 (cell division cycle 42; plus strand). Cytogenetic location: 1p36.12.
Variant type: single nucleotide variant.
Coding change: c.350T>C on transcript NM_001791.4 (MANE Select); coding-DNA position 350, T replaced by C.
Protein change: p.Ile117Thr; replaces isoleucine 117 with threonine.
Molecular consequence: missense variant.
Genome position (GRCh38, 1-based): chr1:22,086,730, T>C. VCF-style: chr1-22086730-T-C. GRCh37 (hg19) VCF-style: chr1-22413223-T-C.
Other names: c.350T>C, p.Ile117Thr (NM_001039802.2, NM_044472.3); short protein forms I117T.
Identifiers: ClinVar variation 4778715 (VCV004778715.1).